The following is an entry in ClinVar:

ClinVar aggregate classification (germline): Uncertain significance (1 of 4 stars; one submission).

Conditions:
PKD1-related disorder. Also called: PKD1-related condition.

gnomAD v4.1: 51 of 1,609,904 alleles (0.0032%); highest among the groups gnomAD compares: African/African-American, 0.028%; no homozygotes.

Submission:

PreventionGenetics, part of Exact Sciences
Classification: Uncertain significance for PKD1-related condition. Last evaluated: 2025-03-12. Review status: criteria provided, single submitter. Criteria: ACMG Guidelines, 2015. Collection method: clinical testing. Allele origin: germline.
Comment: The PKD1 c.4532C>T variant is predicted to result in the amino acid substitution p.Pro1511Leu. To our knowledge, this variant has not been reported in the literature. This variant is reported in 0.020% of alleles in individuals of African descent in gnomAD. Although we suspect that this variant may be benign, at this time, the clinical significance of this variant is uncertain due to the absence of conclusive functional and genetic evidence.

NM_001009944.3(PKD1):c.4532C>T (p.Pro1511Leu)

Gene: PKD1 (polycystin 1, transient receptor potential channel interacting; minus strand). Cytogenetic location: 16p13.3.
Variant type: single nucleotide variant.
Coding change: c.4532C>T on transcript NM_001009944.3 (MANE Select); coding-DNA position 4532, C replaced by T.
Protein change: p.Pro1511Leu; replaces proline 1511 with leucine.
Molecular consequence: missense variant.
Genome position (GRCh38, 1-based): chr16:2,110,635, G>A on the plus strand (C>T on the coding strand, the complement: PKD1 is on the minus strand). VCF-style: chr16-2110635-G-A. GRCh37 (hg19) VCF-style: chr16-2160636-G-A.
Other names: c.4532C>T, p.Pro1511Leu (NM_000296.4); short protein forms P1511L.
Identifiers: ClinVar variation 4980384 (VCV004980384.1).